The following is an entry in ClinVar:

NM_000051.4(ATM):c.2805G>A (p.Thr935=)

Gene: ATM (ATM serine/threonine kinase; plus strand). Cytogenetic location: 11q22.3.
Variant type: single nucleotide variant.
Coding change: c.2805G>A on transcript NM_000051.4 (MANE Select); coding-DNA position 2805, G replaced by A.
Protein change: p.Thr935=; no amino-acid change (threonine 935 retained).
Molecular consequence: synonymous variant.
Genome position (GRCh38, 1-based): chr11:108,268,576, G>A. VCF-style: chr11-108268576-G-A. GRCh37 (hg19) VCF-style: chr11-108139303-G-A.
Other names: c.2805G>A, p.Thr935= (NM_001351834.2).
Identifiers: ClinVar variation 232455 (VCV000232455.20), dbSNP rs55934812, ClinGen allele CA10579071.
Genomic context (GRCh38, chr11:108,268,576, plus strand): 5'-TGTGTCCTTTAGGGCAGCTGATATTCGGAGGAAATTGTTAATGTTAATTGATTCTAGCAC[G>A]CTAGAACCTACCAAATCCCTCCACCTGCATATGGTGAGTTACGTTAAATGAAGAAGCTCT-3'
Protein context (NP_000042.3, residues 925-945): RKLLMLIDSS[Thr935=]LEPTKSLHLH

ClinVar aggregate classification (germline): Benign/Likely benign. Review status: criteria provided, multiple submitters, no conflicts (2 of 4 stars). 6 submissions from 6 submitters: Benign (1); Likely benign (5). Last evaluated 2025-11-20.

Conditions:
Ataxia-telangiectasia syndrome (AT). Also called: Ataxia telangiectasia (A-T); Ataxia-telangiectasia, complementation group E; LOUIS-BAR SYNDROME; Cerebello-oculocutaneous telangiectasia; Immunodeficiency with ataxia telangiectasia; Ataxia-telangiectasia, complementation group D. Identifiers: Orphanet 100, MedGen C0004135, MONDO:0008840, OMIM 208900.
Hereditary cancer-predisposing syndrome. Also called: Hereditary Cancer Syndrome; Neoplastic Syndromes, Hereditary; Tumor predisposition; Hereditary neoplastic syndrome. Identifiers: Orphanet 140162, MedGen C0027672, MeSH D009386, MONDO:0015356.
Familial cancer of breast. Also called: Hereditary breast cancer; hereditary breast carcinoma; BREAST CANCER, FAMILIAL. Identifiers: Orphanet 227535, MedGen C0346153, MONDO:0016419, OMIM 114480. Disease mechanism: loss of function.

gnomAD v4.1: 6 of 1,613,888 alleles (0.00037%); highest among the groups gnomAD compares: African/African-American, 0.0027%; no homozygotes.

Submissions (6):

Labcorp Genetics (formerly Invitae), Labcorp
Classification: Likely benign for Ataxia-telangiectasia syndrome. Last evaluated: 2025-11-20. Review status: criteria provided, single submitter. Criteria: Invitae Variant Classification Sherloc (09022015). Collection method: clinical testing. Allele origin: germline.

Myriad Genetics, Inc.
Classification: Benign for Familial cancer of breast. Last evaluated: 2024-05-10. Review status: criteria provided, single submitter. Criteria: Myriad Autosomal Dominant, Autosomal Recessive and X-Linked Classification Criteria (2023). Collection method: clinical testing. Allele origin: unknown.
Comment: This variant is considered benign. This variant is a silent/synonymous amino acid change and it is not expected to impact splicing.

Fulgent Genetics
Classification: Likely benign for Familial cancer of breast; Ataxia-telangiectasia syndrome. Last evaluated: 2021-08-25. Review status: criteria provided, single submitter. Criteria: ACMG Guidelines, 2015. Collection method: clinical testing. Allele origin: unknown.

GeneDx
Classification: Likely benign. Last evaluated: 2015-11-02. Review status: criteria provided, single submitter. Criteria: GeneDx Variant Classification (06012015). Collection method: clinical testing. Allele origin: germline. Affected: yes.
Comment: This variant is considered likely benign or benign based on one or more of the following criteria: it is a conservative change, it occurs at a poorly conserved position in the protein, it is predicted to be benign by multiple in silico algorithms, and/or has population frequency not consistent with disease.

Ambry Genetics
Classification: Likely benign for Hereditary cancer-predisposing syndrome. Last evaluated: 2015-06-24. Review status: criteria provided, single submitter. Criteria: Ambry Variant Classification Scheme 2023. Collection method: clinical testing. Allele origin: germline.

Color Diagnostics, LLC DBA Color Health
Classification: Likely benign for Hereditary cancer-predisposing syndrome. Last evaluated: 2015-04-24. Review status: criteria provided, single submitter. Criteria: ACMG Guidelines, 2015. Collection method: clinical testing. Allele origin: germline.

Literature cited by the submitters: PubMed 25625042 (cited by Ambry Genetics).